The following is an entry in ClinVar:

NM_000257.4(MYH7):c.5638C>G (p.Arg1880Gly)

Gene: MYH7 (myosin heavy chain 7; minus strand). Cytogenetic location: 14q11.2.
Variant type: single nucleotide variant.
Coding change: c.5638C>G on transcript NM_000257.4 (MANE Select); coding-DNA position 5638, C replaced by G.
Protein change: p.Arg1880Gly; replaces arginine 1880 with glycine.
Molecular consequence: missense variant.
Genome position (GRCh38, 1-based): chr14:23,414,024, G>C on the plus strand (C>G on the coding strand, the complement: MYH7 is on the minus strand). VCF-style: chr14-23414024-G-C. GRCh37 (hg19) VCF-style: chr14-23883233-G-C.
Other names: c.5638C>G (LRG_384t1); short protein forms R1880G.
Identifiers: ClinVar variation 520370 (VCV000520370.13), dbSNP rs1057522617, ClinGen allele CA389034808.

ClinVar aggregate classification (germline): Uncertain significance. Review status: criteria provided, multiple submitters, no conflicts (2 of 4 stars). 4 submissions from 4 submitters: Uncertain significance (4). Last evaluated 2024-03-06.

Conditions:
Cardiomyopathy (CMYO). Also called: Cardiomyopathies. Identifiers: Orphanet 167848, MedGen C0878544, MONDO:0004994, HP:0001638. Inheritance: Various modes of inheritance.
Cardiovascular phenotype. Identifiers: MedGen CN230736.
Hypertrophic cardiomyopathy. Also called: HYPERTROPHIC MYOCARDIOPATHY. Identifiers: Orphanet 217569, MedGen C0007194, MeSH D002312, MONDO:0005045, HP:0001639.

gnomAD v4.1: 2 of 1,614,000 alleles (0.00012%); highest among the groups gnomAD compares: African/African-American, 0.0027%; no homozygotes.

Submissions (4):

Color Diagnostics, LLC DBA Color Health
Classification: Uncertain significance for Cardiomyopathy. Last evaluated: 2024-03-06. Review status: criteria provided, single submitter. Criteria: ACMG Guidelines, 2015. Collection method: clinical testing. Allele origin: germline.
Comment: This missense variant replaces arginine with glycine at codon 1880 of the MYH7 protein. Computational prediction suggests that this variant may have deleterious impact on protein structure and function (internally defined REVEL score threshold >= 0.7, PMID: 27666373). To our knowledge, functional studies have not been reported for this variant. This variant has not been reported in individuals affected with cardiovascular disorders in the literature. This variant has been identified in 2/31386 chromosomes in the general population by the Genome Aggregation Database (gnomAD). The available evidence is insufficient to determine the role of this variant in disease conclusively. Therefore, this variant is classified as a Variant of Uncertain Significance.

GeneDx
Classification: Uncertain significance. Last evaluated: 2023-10-06. Review status: criteria provided, single submitter. Criteria: GeneDx Variant Classification Process June 2021. Collection method: clinical testing. Allele origin: germline.
Comment: In silico analysis supports that this missense variant has a deleterious effect on protein structure/function; Has not been previously published as pathogenic or benign to our knowledge

Labcorp Genetics (formerly Invitae), Labcorp
Classification: Uncertain significance for Hypertrophic cardiomyopathy. Last evaluated: 2023-03-20. Review status: criteria provided, single submitter. Criteria: Invitae Variant Classification Sherloc (09022015). Collection method: clinical testing. Allele origin: germline.
Comment: This sequence change replaces arginine, which is basic and polar, with glycine, which is neutral and non-polar, at codon 1880 of the MYH7 protein (p.Arg1880Gly). This variant is present in population databases (no rsID available, gnomAD 0.02%). This variant has not been reported in the literature in individuals affected with MYH7-related conditions. ClinVar contains an entry for this variant (Variation ID: 520370). Advanced modeling of protein sequence and biophysical properties (such as structural, functional, and spatial information, amino acid conservation, physicochemical variation, residue mobility, and thermodynamic stability) performed at Invitae indicates that this missense variant is expected to disrupt MYH7 protein function. In summary, the available evidence is currently insufficient to determine the role of this variant in disease. Therefore, it has been classified as a Variant of Uncertain Significance.

Ambry Genetics
Classification: Uncertain significance for Cardiovascular phenotype. Last evaluated: 2021-04-01. Review status: criteria provided, single submitter. Criteria: Ambry Variant Classification Scheme 2023. Collection method: clinical testing. Allele origin: germline.
Comment: The p.R1880G variant (also known as c.5638C>G), located in coding exon 36 of the MYH7 gene, results from a C to G substitution at nucleotide position 5638. The arginine at codon 1880 is replaced by glycine, an amino acid with dissimilar properties. This amino acid position is highly conserved in available vertebrate species. In addition, this alteration is predicted to be deleterious by in silico analysis. Since supporting evidence is limited at this time, the clinical significance of this alteration remains unclear.